The following is an entry in ClinVar:

NM_001113378.2(FANCI):c.3520A>G (p.Thr1174Ala)

Gene: FANCI (FA complementation group I; plus strand). Cytogenetic location: 15q26.1.
Variant type: single nucleotide variant.
Coding change: c.3520A>G on transcript NM_001113378.2 (MANE Select); coding-DNA position 3520, A replaced by G.
Protein change: p.Thr1174Ala; replaces threonine 1174 with alanine.
Molecular consequence: missense variant.
Genome position (GRCh38, 1-based): chr15:89,306,177, A>G. VCF-style: chr15-89306177-A-G. GRCh37 (hg19) VCF-style: chr15-89849408-A-G.
Other names: c.3241A>G, p.Thr1081Ala (NM_001376910.1); c.3520A>G, p.Thr1174Ala (NM_001376911.1); c.3340A>G, p.Thr1114Ala (NM_018193.3); short protein forms T1081A, T1114A, T1174A.
Identifiers: ClinVar variation 2415679 (VCV002415679.3), dbSNP rs1276863881, ClinGen allele CA393740698.

ClinVar aggregate classification (germline): Uncertain significance (1 of 4 stars; one submission).

Conditions:
Fanconi anemia (FA). Also called: Fanconi's anemia. Identifiers: Orphanet 84, MedGen C0015625, MeSH D005199, MONDO:0019391.

gnomAD v4.1: 6 of 1,614,128 alleles (0.00037%); highest among the groups gnomAD compares: Admixed American, 0.0083%; no homozygotes.

Submission:

Labcorp Genetics (formerly Invitae), Labcorp
Classification: Uncertain significance for Fanconi anemia. Last evaluated: 2022-04-23. Review status: criteria provided, single submitter. Criteria: Invitae Variant Classification Sherloc (09022015). Collection method: clinical testing. Allele origin: germline.
Comment: This sequence change replaces threonine, which is neutral and polar, with alanine, which is neutral and non-polar, at codon 1174 of the FANCI protein (p.Thr1174Ala). This variant is present in population databases (no rsID available, gnomAD 0.01%). This variant has not been reported in the literature in individuals affected with FANCI-related conditions. Algorithms developed to predict the effect of missense changes on protein structure and function (SIFT, PolyPhen-2, Align-GVGD) all suggest that this variant is likely to be tolerated. In summary, the available evidence is currently insufficient to determine the role of this variant in disease. Therefore, it has been classified as a Variant of Uncertain Significance.